The following continues an entry in ClinVar:

NM_007294.4(BRCA1):c.4065_4068del (p.Asn1355fs)

ClinVar aggregate classification (germline): Pathogenic. Pathogenic (1).

Submissions 12 to 27 of 69:

Department of Clinical Genetics, Copenhagen University Hospital, Rigshospitalet
Classification: Pathogenic for Familial cancer of breast. Last evaluated: 2025-07-01. Review status: criteria provided, single submitter. Criteria: ACMG Guidelines, 2015. Collection method: clinical testing. Allele origin: germline. Not counted in ClinVar's aggregate classification.
Comment: The following ACMG criteria has been used: PVS1; PM5_Strong_PTC

Institute of Human Genetics, University of Leipzig Medical Center
Classification: Pathogenic for Breast-ovarian cancer, familial, susceptibility to, 1. Last evaluated: 2025-05-13. Review status: criteria provided, single submitter. Criteria: ACMG Guidelines, 2015. Collection method: clinical testing. Allele origin: unknown. Inheritance: Autosomal dominant inheritance. Affected: yes. Not counted in ClinVar's aggregate classification.
Comment: Criteria applied: PVS1,PM5_STR

Ambry Genetics
Classification: Pathogenic for Hereditary cancer-predisposing syndrome. Last evaluated: 2025-04-11. Review status: criteria provided, single submitter. Criteria: Ambry Variant Classification Scheme 2023. Collection method: clinical testing. Allele origin: germline. Not counted in ClinVar's aggregate classification.
Comment: The c.4065_4068delTCAA pathogenic mutation, located in coding exon 9 of the BRCA1 gene, results from a deletion of 4 nucleotides at nucleotide positions 4065 to 4068, causing a translational frameshift with a predicted alternate stop codon (p.N1355Kfs*10). This alteration has been reported in multiple families with hereditary breast and ovarian cancer from a variety of ethnic backgrounds (Shattuck-Eidens D et al. JAMA. 1995 Feb;273:535-41; Langston AA et al. N. Engl. J. Med. 1996 Jan;334:137-42; Spitzer E et al. Int. J. Cancer. 2000 Feb;85:474-81; Ahn SH et al. Cancer Lett. 2007 Jan;245:90-5; Cunningham J et al. Sci. Rep. 2014 Feb;4:4026; Rashid MU et al. BMC Cancer. 2016 Aug;16:673; Li JY et al. Int. J. Cancer 2019 Jan;144(2):281-289; Siraj AK et al. Hum. Mutat. 2019 Mar). This mutation was also identified in an individual from a cohort of 191 prostate cancer patients with at least three prostate cancer cases in their families; this individual's family was also noted to be affected with breast and colon cancer (Leongamornlet D et al. Br. J. Cancer. 2014 Mar;110:1663-72). Of note, this alteration is also designated as 4184del4 in published literature. In addition to the clinical data presented in the literature, this alteration is expected to result in loss of function by premature protein truncation or nonsense-mediated mRNA decay. As such, this alteration is interpreted as a disease-causing mutation.

Institute of Human Genetics, University of Leipzig Medical Center
Classification: Pathogenic for Familial cancer of breast. Last evaluated: 2025-04-07. Review status: criteria provided, single submitter. Criteria: ACMG Guidelines, 2015. Collection method: clinical testing. Allele origin: unknown. Inheritance: Autosomal dominant inheritance. Affected: yes. Not counted in ClinVar's aggregate classification.
Comment: Criteria applied: PVS1,PP4_VSTR,PM5_STR

Center for Genomic Medicine, Rigshospitalet, Copenhagen University Hospital
Classification: Pathogenic. Last evaluated: 2025-03-04. Review status: criteria provided, single submitter. Criteria: ACMG Guidelines, 2015. Collection method: clinical testing. Allele origin: germline. Not counted in ClinVar's aggregate classification.

Cambridge Genomics Laboratory, East Genomic Laboratory Hub, NHS Genomic Medicine Service
Classification: Pathogenic for Inherited breast cancer and ovarian cancer. Last evaluated: 2025-01-29. Review status: criteria provided, single submitter. Criteria: ACGS Best Practice Guidelines for Variant Classification in Rare Disease 2020. Collection method: clinical testing. Allele origin: germline. Affected: yes. Not counted in ClinVar's aggregate classification.
Comment: PVS1,PS4_Very Strong,PM2_Supporting,PM5_Strong

Color Diagnostics, LLC DBA Color Health
Classification: Pathogenic for Hereditary cancer-predisposing syndrome. Last evaluated: 2025-01-21. Review status: criteria provided, single submitter. Criteria: ACMG Guidelines, 2015. Collection method: clinical testing. Allele origin: germline. Not counted in ClinVar's aggregate classification.
Comment: This variant deletes 4 nucleotides in exon 10 of the BRCA1 gene, creating a frameshift and premature translation stop signal. This variant is expected to result in an absent or non-functional protein product. This is a recurrent variant in hereditary breast and ovarian cancer families worldwide and has been reported in at least 30 individuals affected with breast and/or ovarian cancer (PMID: 7894493, 8531967, 17018160, 16455195, 20104584, 21324516, 21559243, 23175448, 23633455, 27553291, 28724667, 28831036, 28993434, 29470806, 30078507, 29752822, 30825404, 33471991; Leiden Open Variation Database DB-ID BRCA1_000288) and an individual affected with prostate cancer (PMID: 24556621). A multifactorial analysis has reported a likelihood ratio for pathogenicity based on personal and family history of 621526845.803 from log(LR)=8.793459892 for 37 carriers (PMID: 31853058). This variant has been identified in 3/250844 chromosomes in the general population by the Genome Aggregation Database (gnomAD). Loss of BRCA1 function is a known mechanism of disease. Based on the available evidence, this variant is classified as Pathogenic.

All of Us Research Program, National Institutes of Health
Classification: Pathogenic for BRCA1-related cancer predisposition. Last evaluated: 2024-09-28. Review status: criteria provided, single submitter. Criteria: ACMG Guidelines, 2015. Collection method: clinical testing. Allele origin: germline. Inheritance: Autosomal dominant inheritance. Observed: 12 variant alleles, 12 heterozygotes. Not counted in ClinVar's aggregate classification.
Comment: This variant deletes 4 nucleotides in exon 10 of the BRCA1 gene, creating a frameshift and premature translation stop signal. This variant is expected to result in an absent or non-functional protein product. This is a recurrent variant detected in hereditary breast and ovarian cancer families worldwide and has been reported in at least 30 individuals affected with breast and/or ovarian cancer (PMID: 7894493, 8531967, 17018160, 16455195, 20104584, 21324516, 21559243, 23175448, 23633455, 27553291, 28724667, 28831036, 28993434, 29470806, 30078507, 29752822, 30825404, 33471991; Leiden Open Variation Database DB-ID BRCA1_000288) and an individual affected with prostate cancer (PMID: 24556621). This variant has been identified in 3/250844 chromosomes in the general population by the Genome Aggregation Database (gnomAD). Loss of BRCA1 function is a known mechanism of disease. Based on the available evidence, this variant is classified as Pathogenic.

This study involves interpretation of variants in research participants for the purpose of population health screening. Participant phenotype was not available at the time of variant classification. Additional details can be found in publication PMID: 35346344, PMCID: PMC8962531

Genomics and Molecular Medicine Service, East Genomic Laboratory Hub, NHS Genomic Medicine Service
Classification: Pathogenic for Inherited breast cancer and ovarian cancer. Last evaluated: 2024-08-15. Review status: criteria provided, single submitter. Criteria: ACGS Best Practice Guidelines for Variant Classification in Rare Disease 2020. Collection method: clinical testing. Allele origin: germline. Affected: yes. Not counted in ClinVar's aggregate classification.
Comment: PVS1,PM5_Strong

Fulgent Genetics
Classification: Pathogenic for Breast-ovarian cancer, familial, susceptibility to, 1; Pancreatic cancer, susceptibility to, 4; Fanconi anemia, complementation group S. Last evaluated: 2024-06-19. Review status: criteria provided, single submitter. Criteria: ACMG Guidelines, 2015. Collection method: clinical testing. Allele origin: germline. Not counted in ClinVar's aggregate classification.

Illumina Laboratory Services, Illumina
Classification: Pathogenic for Breast-ovarian cancer, familial, susceptibility to, 1. Last evaluated: 2024-03-29. Review status: criteria provided, single submitter. Criteria: ICSLVariantClassificationCriteria RUGD 01 April 2020. Collection method: clinical testing. Allele origin: unknown. Not counted in ClinVar's aggregate classification.
Comment: The BRCA1 c.4065_4068del p.(Asn1355LysfsTer10) variant causes a shift in the protein reading frame that is predicted to result in premature termination of the protein. Loss of normal protein function through either protein truncation or nonsense-mediated mRNA decay is expected. This variant has been observed in individuals with breast and ovarian cancer in several studies in the literature (PMIDs: 35908255; 35918668; 35409996; 35220195; 34657373). The highest frequency of this allele in the Genome Aggregation Database is 0.000041 in the European (non-Finnish) population (version 4.0.0). Additionally, a different proven pathogenic variant resulting in premature protein termination and located in the same exon has been reported in individuals with hereditary breast and ovarian cancer (ClinVar). Based on the available evidence, the c.4065_4068del p.(Asn1355LysfsTer10) is classified as pathogenic for hereditary breast and ovarian cancer.

Molecular Pathology, Peter Maccallum Cancer Centre
Classification: Pathogenic for Breast-ovarian cancer, familial, susceptibility to, 1. Last evaluated: 2024-03-04. Review status: criteria provided, single submitter. Criteria: ACMG Guidelines, 2015. Collection method: clinical testing. Allele origin: germline. Inheritance: Autosomal dominant inheritance. Not counted in ClinVar's aggregate classification.

Baylor Genetics
Classification: Pathogenic for Breast-ovarian cancer, familial, susceptibility to, 1. Last evaluated: 2024-02-29. Review status: criteria provided, single submitter. Criteria: ACMG Guidelines, 2015. Collection method: clinical testing. Allele origin: unknown. Not counted in ClinVar's aggregate classification.

Revvity Omics, Revvity
Classification: Pathogenic. Last evaluated: 2024-02-07. Review status: criteria provided, single submitter. Criteria: ACMG Guidelines, 2015. Collection method: clinical testing. Allele origin: germline. Not counted in ClinVar's aggregate classification.

Blueprint Genetics
Classification: Pathogenic for BRCA1-related disorders. Last evaluated: 2023-11-20. Review status: criteria provided, single submitter. Criteria: ACMG Guidelines, 2015. Collection method: clinical testing. Allele origin: germline. Affected: yes. Observed: 3 variant alleles. Not counted in ClinVar's aggregate classification.

Clinical Genetics Laboratory, Skane University Hospital Lund
Classification: Pathogenic. Last evaluated: 2023-09-22. Review status: criteria provided, single submitter. Criteria: ACMG Guidelines, 2015. Collection method: clinical testing. Allele origin: germline. Affected: yes. Not counted in ClinVar's aggregate classification.